The following is an entry in ClinVar:

ClinVar aggregate classification (germline): Uncertain significance (1 of 4 stars; one submission).

Submission:

Labcorp Genetics (formerly Invitae), Labcorp
Classification: Uncertain significance. Last evaluated: 2025-06-02. Review status: criteria provided, single submitter. Criteria: Invitae Variant Classification Sherloc (09022015). Collection method: clinical testing. Allele origin: germline.
Comment: This sequence change replaces threonine, which is neutral and polar, with isoleucine, which is neutral and non-polar, at codon 1817 of the KMT2A protein (p.Thr1817Ile). This variant is not present in population databases (gnomAD no frequency). This variant has not been reported in the literature in individuals affected with KMT2A-related conditions. ClinVar contains an entry for this variant (Variation ID: 3023348). Invitae Evidence Modeling of protein sequence and biophysical properties (such as structural, functional, and spatial information, amino acid conservation, physicochemical variation, residue mobility, and thermodynamic stability) indicates that this missense variant is not expected to disrupt KMT2A protein function with a negative predictive value of 95%. In summary, the available evidence is currently insufficient to determine the role of this variant in disease. Therefore, it has been classified as a Variant of Uncertain Significance.

NM_001197104.2(KMT2A):c.5450C>T (p.Thr1817Ile)

Gene: KMT2A (lysine methyltransferase 2A; plus strand). Cytogenetic location: 11q23.3.
Variant type: single nucleotide variant.
Coding change: c.5450C>T on transcript NM_001197104.2 (MANE Select); coding-DNA position 5450, C replaced by T.
Protein change: p.Thr1817Ile; replaces threonine 1817 with isoleucine.
Molecular consequence: missense variant.
Genome position (GRCh38, 1-based): chr11:118,495,786, C>T. VCF-style: chr11-118495786-C-T. GRCh37 (hg19) VCF-style: chr11-118366501-C-T.
Other names: c.5540C>T, p.Thr1847Ile (NM_001412597.1); c.5441C>T, p.Thr1814Ile (NM_005933.4); short protein forms T1817I, T1814I, T1847I.
Identifiers: ClinVar variation 3023348 (VCV003023348.3), dbSNP rs1555043805, ClinGen allele CA382838783.